The following is an entry in ClinVar:

ClinVar aggregate classification (germline): Uncertain significance (1 of 4 stars; one submission).

Conditions:
3-methylglutaconic aciduria, type VIIB (MGCA7B). Also called: CLPB Deficiency; 3-methylglutaconic aciduria with cataracts, neurologic involvement and neutropenia; 3-methylglutaconic aciduria, type VII, with cataracts, neurologic involvement and neutropenia. Identifiers: Orphanet 445038, MedGen C5676893, MONDO:0014561, OMIM 616271.

Allele frequency attached by ClinVar (database versions not stated): gnomAD exomes 0.00001; TOPMed 0.00002; ExAC 0.00006; gnomAD 0.00008.
gnomAD v4.1: 34 of 1,614,034 alleles (0.0021%); highest among the groups gnomAD compares: African/African-American, 0.0027%; no homozygotes.

Submission:

Labcorp Genetics (formerly Invitae), Labcorp
Classification: Uncertain significance for 3-methylglutaconic aciduria, type VIIB. Last evaluated: 2025-11-16. Review status: criteria provided, single submitter. Criteria: Invitae Variant Classification Sherloc (09022015). Collection method: clinical testing. Allele origin: germline.
Comment: This sequence change replaces valine, which is neutral and non-polar, with isoleucine, which is neutral and non-polar, at codon 431 of the CLPB protein (p.Val431Ile). This variant is present in population databases (rs777151336, gnomAD 0.03%). This variant has not been reported in the literature in individuals affected with CLPB-related conditions. ClinVar contains an entry for this variant (Variation ID: 2889301). An algorithm developed to predict the effect of missense changes on protein structure and function outputs the following: PolyPhen-2: "Benign". The isoleucine amino acid residue is found in multiple mammalian species, which suggests that this missense change does not adversely affect protein function. In summary, the available evidence is currently insufficient to determine the role of this variant in disease. Therefore, it has been classified as a Variant of Uncertain Significance.

NM_001258392.3(CLPB):c.1201G>A (p.Val401Ile)

Genes: CLPB (ClpB family mitochondrial disaggregase; minus strand), LOC126861258 (MED14-independent group 3 enhancer GRCh37_chr11:72012242-72013441; plus strand). Cytogenetic location: 11q13.4.
Variant type: single nucleotide variant.
Coding change: c.1201G>A on transcript NM_001258392.3 (MANE Select); coding-DNA position 1201, G replaced by A.
Protein change: p.Val401Ile; replaces valine 401 with isoleucine.
Molecular consequence: missense variant.
Genome position (GRCh38, 1-based): chr11:72,301,931, C>T on the plus strand (G>A on the coding strand, the complement: CLPB is on the minus strand). VCF-style: chr11-72301931-C-T. GRCh37 (hg19) VCF-style: chr11-72012975-C-T.
Other names: c.1114G>A, p.Val372Ile (NM_001258393.3); c.1156G>A, p.Val386Ile (NM_001258394.3); c.1291G>A, p.Val431Ile (NM_030813.6); short protein forms V372I, V401I, V386I, V431I.
Identifiers: ClinVar variation 2889301 (VCV002889301.3), dbSNP rs777151336, ClinGen allele CA6171233.